The following is an entry in ClinVar:

NM_201384.3(PLEC):c.1042-13C>A

Gene: PLEC (plectin; minus strand). Cytogenetic location: 8q24.3.
Variant type: single nucleotide variant.
Coding change: c.1042-13C>A on transcript NM_201384.3 (MANE Select); 13 bases into the intron before coding-DNA position 1042, C replaced by A.
Molecular consequence: intron variant.
Genome position (GRCh38, 1-based): chr8:143,934,458, G>T on the plus strand (C>A on the coding strand, the complement: PLEC is on the minus strand). VCF-style: chr8-143934458-G-T. GRCh37 (hg19) VCF-style: chr8-145008626-G-T.
Other names: c.1123-13C>A (NM_001410941.1, NM_000445.5); c.1000-13C>A (NM_201378.4); c.976-13C>A (NM_201379.3); c.1453-13C>A (NM_201380.4); c.946-13C>A (NM_201381.3); c.1042-13C>A (NM_201382.4); c.1054-13C>A (NM_201383.3).
Identifiers: ClinVar variation 2937345 (VCV002937345.3), dbSNP rs371218459, ClinGen allele CA187623238.

ClinVar aggregate classification (germline): Uncertain significance (1 of 4 stars; one submission).

Conditions:
Epidermolysis bullosa simplex with nail dystrophy (EBS5D). Identifiers: MedGen C4225309, MONDO:0014661, OMIM 616487.
Epidermolysis bullosa simplex 5C, with pyloric atresia (EBS5C). Also called: PLEC-Related Epidermolysis Bullosa with Pyloric Atresia; Epidermolysis bullosa simplex with pyloric atresia; PLEC1-Related Epidermolysis Bullosa with Pyloric Atresia. Identifiers: Orphanet 158684, MedGen C2677349, MONDO:0012807, OMIM 612138.
Autosomal recessive limb-girdle muscular dystrophy type 2Q (LGMDR17). Also called: MUSCULAR DYSTROPHY, LIMB-GIRDLE, AUTOSOMAL RECESSIVE 17. Identifiers: Orphanet 254361, MedGen C3150989, MONDO:0013390, OMIM 613723.
Epidermolysis bullosa simplex, Ogna type (EBS5A). Also called: Pidermolysis bullosa simplex 5A, Ogna type; EPIDERMOLYSIS BULLOSA SIMPLEX 5A, OGNA TYPE. Identifiers: Orphanet 79401, MedGen C0432317, MONDO:0007555, OMIM 131950.
Epidermolysis bullosa simplex 5B, with muscular dystrophy (EBS5B). Also called: EPIDERMOLYSIS BULLOSA SIMPLEX AND LIMB-GIRDLE MUSCULAR DYSTROPHY; Epidermolysis bullosa simplex with muscular dystrophy. Identifiers: Orphanet 257, MedGen C2931072, MONDO:0009181, OMIM 226670.

Allele frequency attached by ClinVar (database versions not stated): ESP Exome Variant Server 0.00008.

Submission:

Labcorp Genetics (formerly Invitae), Labcorp
Classification: Uncertain significance for Autosomal recessive limb-girdle muscular dystrophy type 2Q; Epidermolysis bullosa simplex, Ogna type; Epidermolysis bullosa simplex with nail dystrophy; Epidermolysis bullosa simplex 5C, with pyloric atresia; Epidermolysis bullosa simplex 5B, with muscular dystrophy. Last evaluated: 2023-07-19. Review status: criteria provided, single submitter. Criteria: Invitae Variant Classification Sherloc (09022015). Collection method: clinical testing. Allele origin: germline.
Comment: This variant has not been reported in the literature in individuals affected with PLEC-related conditions. In summary, the available evidence is currently insufficient to determine the role of this variant in disease. Therefore, it has been classified as a Variant of Uncertain Significance. Algorithms developed to predict the effect of sequence changes on RNA splicing suggest that this variant may create or strengthen a splice site. This variant is not present in population databases (gnomAD no frequency). This sequence change falls in intron 11 of the PLEC gene. It does not directly change the encoded amino acid sequence of the PLEC protein.